The following is an entry in ClinVar:

NM_001144950.2(SSC5D):c.3720C>T (p.His1240=)

Gene: SSC5D (scavenger receptor cysteine rich family member with 5 domains; plus strand). Cytogenetic location: 19q13.42.
Variant type: single nucleotide variant.
Coding change: c.3720C>T on transcript NM_001144950.2 (MANE Select); coding-DNA position 3720, C replaced by T.
Protein change: p.His1240=; no amino-acid change (histidine 1240 retained).
Molecular consequence: synonymous variant.
Genome position (GRCh38, 1-based): chr19:55,517,996, C>T. VCF-style: chr19-55517996-C-T. GRCh37 (hg19) VCF-style: chr19-56029363-C-T.
Identifiers: ClinVar variation 2650532 (VCV002650532.24), dbSNP rs1987916699, ClinGen allele CA509208717.

ClinVar aggregate classification (germline): Likely benign (1 of 4 stars; one submission).

Submission:

CeGaT Center for Human Genetics Tuebingen
Classification: Likely benign. Last evaluated: 2024-04-01. Review status: criteria provided, single submitter. Criteria: CeGaT Center For Human Genetics Tuebingen Variant Classification Criteria Version 2. Collection method: clinical testing. Allele origin: germline. Affected: yes. Observed: 2 variant alleles.
Comment: SSC5D: BP4, BP7